The following is an entry in ClinVar:

ClinVar aggregate classification (germline): Uncertain significance (0 of 4 stars; one submission).

Conditions:
CLTC-related disorder. Also called: CLTC-related condition.

gnomAD v4.1: 2 of 1,613,670 alleles (0.00012%); highest among the groups gnomAD compares: Non-Finnish European, 0.00017%; no homozygotes.

Submission:

PreventionGenetics, part of Exact Sciences
Classification: Uncertain significance for CLTC-related condition. Last evaluated: 2024-05-14. Review status: no assertion criteria provided. Collection method: clinical testing. Allele origin: germline.
Comment: The CLTC c.4370G>A variant is predicted to result in the amino acid substitution p.Arg1457His. To our knowledge, this variant has not been reported in the literature. This variant is reported in 0.00088% of alleles in individuals of European (Non-Finnish) descent in gnomAD. At this time, the clinical significance of this variant is uncertain due to the absence of conclusive functional and genetic evidence.

NM_004859.4(CLTC):c.4358G>A (p.Arg1453His)

Genes: CLTC (clathrin heavy chain; plus strand), LOC126862609 (CDK7 strongly-dependent group 2 enhancer GRCh37_chr17:57760547-57761746; plus strand). Cytogenetic location: 17q23.1.
Variant type: single nucleotide variant.
Coding change: c.4358G>A on transcript NM_004859.4 (MANE Select); coding-DNA position 4358, G replaced by A.
Protein change: p.Arg1453His; replaces arginine 1453 with histidine.
Molecular consequence: missense variant.
Genome position (GRCh38, 1-based): chr17:59,683,909, G>A. VCF-style: chr17-59683909-G-A. GRCh37 (hg19) VCF-style: chr17-57761270-G-A.
Other names: c.4370G>A, p.Arg1457His (NM_001288653.2); short protein forms R1453H, R1457H.
Identifiers: ClinVar variation 3345308 (VCV003345308.1).